The following is an entry in ClinVar:

ClinVar aggregate classification (germline): Uncertain significance (1 of 4 stars; one submission).

Allele frequency attached by ClinVar (database versions not stated): gnomAD exomes below 0.00001; TOPMed below 0.00001.

Submission:

Labcorp Genetics (formerly Invitae), Labcorp
Classification: Uncertain significance. Last evaluated: 2022-11-23. Review status: criteria provided, single submitter. Criteria: Invitae Variant Classification Sherloc (09022015). Collection method: clinical testing. Allele origin: germline.
Comment: This variant has not been reported in the literature in individuals affected with TLR7-related conditions. In summary, the available evidence is currently insufficient to determine the role of this variant in disease. Therefore, it has been classified as a Variant of Uncertain Significance. Algorithms developed to predict the effect of missense changes on protein structure and function are either unavailable or do not agree on the potential impact of this missense change (SIFT: "Deleterious"; PolyPhen-2: "Benign"; Align-GVGD: "Class C0"). This variant is not present in population databases (gnomAD no frequency). This sequence change replaces tyrosine, which is neutral and polar, with phenylalanine, which is neutral and non-polar, at codon 190 of the TLR7 protein (p.Tyr190Phe).

NM_016562.4(TLR7):c.569A>T (p.Tyr190Phe)

Gene: TLR7 (toll like receptor 7; plus strand). Cytogenetic location: Xp22.2.
Variant type: single nucleotide variant.
Coding change: c.569A>T on transcript NM_016562.4 (MANE Select); coding-DNA position 569, A replaced by T.
Protein change: p.Tyr190Phe; replaces tyrosine 190 with phenylalanine.
Molecular consequence: missense variant.
Genome position (GRCh38, 1-based): chrX:12,886,077, A>T. VCF-style: chrX-12886077-A-T. GRCh37 (hg19) VCF-style: chrX-12904196-A-T.
Other names: short protein forms Y190F.
Identifiers: ClinVar variation 2977220 (VCV002977220.3), dbSNP rs2042909968, ClinGen allele CA412405123.